The following is an entry in ClinVar:

ClinVar aggregate classification (germline): Uncertain significance (1 of 4 stars; one submission).

Conditions:
Hereditary cancer-predisposing syndrome. Also called: Tumor predisposition; Hereditary neoplastic syndrome; Neoplastic Syndromes, Hereditary; Hereditary Cancer Syndrome. Identifiers: Orphanet 140162, MedGen C0027672, MeSH D009386, MONDO:0015356.

Submission:

Ambry Genetics
Classification: Uncertain significance for Hereditary cancer-predisposing syndrome. Last evaluated: 2025-05-23. Review status: criteria provided, single submitter. Criteria: Ambry Variant Classification Scheme 2023. Collection method: clinical testing. Allele origin: germline.
Comment: The p.V241L variant (also known as c.721G>T), located in coding exon 5 of the DICER1 gene, results from a G to T substitution at nucleotide position 721. The valine at codon 241 is replaced by leucine, an amino acid with highly similar properties. This amino acid position is conserved. In addition, the in silico prediction for this alteration is inconclusive. Based on the available evidence, the clinical significance of this variant remains unclear.

NM_177438.3(DICER1):c.721G>T (p.Val241Leu)

Gene: DICER1 (dicer 1, ribonuclease III; minus strand). Cytogenetic location: 14q32.13.
Variant type: single nucleotide variant.
Coding change: c.721G>T on transcript NM_177438.3 (MANE Select); coding-DNA position 721, G replaced by T.
Protein change: p.Val241Leu; replaces valine 241 with leucine.
Molecular consequence: missense variant. On other transcripts: 5 prime UTR variant (1), non-coding transcript variant (6).
Genome position (GRCh38, 1-based): chr14:95,129,485, C>A on the plus strand (G>T on the coding strand, the complement: DICER1 is on the minus strand). VCF-style: chr14-95129485-C-A. GRCh37 (hg19) VCF-style: chr14-95595822-C-A.
Other names: c.721G>T, p.Val241Leu (NM_001195573.1, NM_001271282.3, NM_001291628.2 and 14 more transcripts); c.439G>T, p.Val147Leu (NM_001395686.1); c.316G>T, p.Val106Leu (NM_001395687.1, NM_001395688.1, NM_001395689.1 and 3 more transcripts); c.154G>T, p.Val52Leu (NM_001395691.1); c.-848G>T (NM_001395697.1); short protein forms V52L, V106L, V147L, V241L.
Identifiers: ClinVar variation 4011671 (VCV004011671.1).
Genomic context (GRCh38, chr14:95,129,485, plus strand): 5'-TGTTTTCAACTAATCTCATTAAAGCTGAGTCAATCAGAAGTGCATACCTGTCTAAGACCA[C>A]CAGGTCAGTTGCAGTTTCAGCATTACTCTTAAGAATTTTCTCTAGTTTCTGAATCTTTTC-3'
Protein context (NP_803187.1, residues 231-251): KSNAETATDL[Val241Leu]VLDRYTSQPC